The following is an entry in ClinVar:

NM_000059.4(BRCA2):c.4269T>C (p.Thr1423=)

Gene: BRCA2 (BRCA2 DNA repair associated; plus strand). Cytogenetic location: 13q13.1.
Variant type: single nucleotide variant.
Coding change: c.4269T>C on transcript NM_000059.4 (MANE Select); coding-DNA position 4269, T replaced by C.
Protein change: p.Thr1423=; no amino-acid change (threonine 1423 retained).
Molecular consequence: synonymous variant.
Genome position (GRCh38, 1-based): chr13:32,338,624, T>C. VCF-style: chr13-32338624-T-C. GRCh37 (hg19) VCF-style: chr13-32912761-T-C.
Identifiers: ClinVar variation 184283 (VCV000184283.35), dbSNP rs786201377, ClinGen allele CA019873.

ClinVar aggregate classification (germline): Likely benign. Review status: reviewed by expert panel (3 of 4 stars). 13 submissions from 13 submitters: Likely benign (1). 12 of the submissions do not count toward it. Last evaluated 2017-06-29.

Conditions:
BRCA2-related disorder. Also called: BRCA2-related condition; BRCA2-related disorders. Identifiers: MedGen CN239275.
Hereditary cancer-predisposing syndrome. Also called: Tumor predisposition; Hereditary Cancer Syndrome; Hereditary neoplastic syndrome; Neoplastic Syndromes, Hereditary. Identifiers: Orphanet 140162, MedGen C0027672, MeSH D009386, MONDO:0015356.
Hereditary breast ovarian cancer syndrome. Also called: Breast and ovarian cancer; Hereditary breast and ovarian cancer syndrome; Hereditary breast and ovarian cancer; BRCA1- and BRCA2-Associated Hereditary Breast and Ovarian Cancer; Hereditary breast and ovarian cancer syndrome (HBOC); Hereditary breast and/or ovarian cancer syndrome. Identifiers: Orphanet 145, MedGen C0677776, MeSH D061325, MONDO:0003582. Disease mechanism: loss of function.
Breast-ovarian cancer, familial, susceptibility to, 2 (BROVCA2). Also called: BRCA2 Hereditary Breast and Ovarian Cancer. Identifiers: Orphanet 145, MedGen C2675520, MONDO:0012933, OMIM 612555. Disease mechanism: loss of function.

Allele frequency attached by ClinVar (database versions not stated): gnomAD exomes 0.00001; TOPMed 0.00002; gnomAD 0.00003.
gnomAD v4.1: 24 of 1,598,578 alleles (0.0015%); highest among the groups gnomAD compares: Admixed American, 0.037%; no homozygotes.

Submissions (13):

Evidence-based Network for the Interpretation of Germline Mutant Alleles (ENIGMA)
Classification: Likely benign for Breast-ovarian cancer, familial, susceptibility to, 2. Last evaluated: 2017-06-29. Review status: reviewed by expert panel. Criteria: ENIGMA BRCA1/2 Classification Criteria (2017-06-29). Collection method: curation. Allele origin: germline.
Comment: Synonymous substitution variant, with low bioinformatic likelihood to result in a splicing aberration (Splicing prior probability 0.02).

Labcorp Genetics (formerly Invitae), Labcorp
Classification: Likely benign for Hereditary breast ovarian cancer syndrome. Last evaluated: 2026-02-03. Review status: criteria provided, single submitter. Criteria: Invitae Variant Classification Sherloc (09022015). Collection method: clinical testing. Allele origin: germline. Not counted in ClinVar's aggregate classification.

ARUP Laboratories, Molecular Genetics and Genomics, ARUP Laboratories
Classification: Likely benign. Last evaluated: 2025-06-09. Review status: criteria provided, single submitter. Criteria: ARUP Molecular Germline Variant Investigation Process 2024. Collection method: clinical testing. Allele origin: germline. Not counted in ClinVar's aggregate classification.

Center for Genomic Medicine, Rigshospitalet, Copenhagen University Hospital
Classification: Likely benign. Last evaluated: 2025-03-04. Review status: criteria provided, single submitter. Criteria: ACMG Guidelines, 2015. Collection method: clinical testing. Allele origin: germline. Not counted in ClinVar's aggregate classification.

All of Us Research Program, National Institutes of Health
Classification: Likely benign for Breast-ovarian cancer, familial, susceptibility to, 2. Last evaluated: 2023-12-13. Review status: criteria provided, single submitter. Criteria: ACMG Guidelines, 2015. Collection method: clinical testing. Allele origin: germline. Inheritance: Autosomal dominant inheritance. Observed: 6 variant alleles, 6 heterozygotes. Not counted in ClinVar's aggregate classification.
Comment: This study involves interpretation of variants in research participants for the purpose of population health screening. Participant phenotype was not available at the time of variant classification. Additional details can be found in publication PMID: 35346344, PMCID: PMC8962531

Quest Diagnostics Nichols Institute San Juan Capistrano
Classification: Likely benign. Last evaluated: 2023-06-02. Review status: criteria provided, single submitter. Criteria: Quest Diagnostics criteria. Collection method: clinical testing. Allele origin: unknown. Not counted in ClinVar's aggregate classification.

Sema4
Classification: Likely benign for Hereditary cancer-predisposing syndrome. Last evaluated: 2021-01-28. Review status: criteria provided, single submitter. Criteria: Sema4 Curation Guidelines. Collection method: curation. Allele origin: germline. Not counted in ClinVar's aggregate classification.

Women's Health and Genetics/Laboratory Corporation of America, LabCorp
Classification: Likely benign. Last evaluated: 2019-08-21. Review status: criteria provided, single submitter. Criteria: LabCorp Variant Classification Summary - May 2015. Collection method: clinical testing. Allele origin: germline. Not counted in ClinVar's aggregate classification.

Color Diagnostics, LLC DBA Color Health
Classification: Likely benign for Hereditary cancer-predisposing syndrome. Last evaluated: 2017-02-09. Review status: criteria provided, single submitter. Criteria: ACMG Guidelines, 2015. Collection method: clinical testing. Allele origin: germline. Not counted in ClinVar's aggregate classification.

GeneDx
Classification: Benign. Last evaluated: 2015-06-18. Review status: criteria provided, single submitter. Criteria: GeneDx Variant Classification Process June 2021. Collection method: clinical testing. Allele origin: germline. Affected: yes. Not counted in ClinVar's aggregate classification.

Ambry Genetics
Classification: Likely benign for Hereditary cancer-predisposing syndrome. Last evaluated: 2015-05-18. Review status: criteria provided, single submitter. Criteria: Ambry Variant Classification Scheme 2023. Collection method: clinical testing. Allele origin: germline. Not counted in ClinVar's aggregate classification.

PreventionGenetics, part of Exact Sciences
Classification: Likely benign for BRCA2-related condition. Last evaluated: 2019-12-09. Review status: no assertion criteria provided. Collection method: clinical testing. Allele origin: germline. Not counted in ClinVar's aggregate classification.
Comment: This variant is classified as likely benign based on ACMG/AMP sequence variant interpretation guidelines (Richards et al. 2015 PMID: 25741868, with internal and published modifications).

Department of Pathology and Laboratory Medicine, Sinai Health System
Classification: Likely benign. Review status: no assertion criteria provided. Collection method: clinical testing. Allele origin: unknown. Affected: yes. Observed: 1 variant allele. Study: The Canadian Open Genetics Repository (COGR). Not counted in ClinVar's aggregate classification.
Comment: The BRCA2 p.Thr1423Thr variant was not identified in the literature, nor was it identified in the dbSNP, NHLBI Exome Sequencing Project, HGMD, LOVD, COSMIC, or BIC databases. The variant was identified once in UMD as a polymorphism. The variant is not expected to have clinical significance because it does not result in a change of amino acid and is not located in a known consensus splice site. In summary, based on the above information, the clinical significance of this variant cannot be determined with certainty at this time although we would lean towards a more benign role for this variant. This variant is classified as predicted benign.